The following is an entry in ClinVar:

NM_001205293.3(CACNA1E):c.3572A>G (p.Tyr1191Cys)

Gene: CACNA1E (calcium voltage-gated channel subunit alpha1 E; plus strand). Cytogenetic location: 1q25.3.
Variant type: single nucleotide variant.
Coding change: c.3572A>G on transcript NM_001205293.3 (MANE Select); coding-DNA position 3572, A replaced by G.
Protein change: p.Tyr1191Cys; replaces tyrosine 1191 with cysteine.
Molecular consequence: missense variant.
Genome position (GRCh38, 1-based): chr1:181,738,386, A>G. VCF-style: chr1-181738386-A-G. GRCh37 (hg19) VCF-style: chr1-181707522-A-G.
Other names: c.3572A>G, p.Tyr1191Cys (NM_000721.4); c.3515A>G, p.Tyr1172Cys (NM_001205294.2); short protein forms Y1172C, Y1191C.
Identifiers: ClinVar variation 4699609 (VCV004699609.3).

ClinVar aggregate classification (germline): Conflicting classifications of pathogenicity. Review status: criteria provided, conflicting classifications (1 of 4 stars). 2 submissions from 2 submitters: Uncertain significance (1); Likely benign (1). Last evaluated 2025-08-04.

Submissions (2):

Labcorp Genetics (formerly Invitae), Labcorp
Classification: Likely benign. Last evaluated: 2025-08-04. Review status: criteria provided, single submitter. Criteria: Invitae Variant Classification Sherloc (09022015). Collection method: clinical testing. Allele origin: germline.

Dasa
Classification: Uncertain significance. Last evaluated: 2025-04-01. Review status: criteria provided, single submitter. Criteria: DASA Assertion Criteria. Collection method: clinical testing. Allele origin: germline.
Comment: NM_001205293.3(CACNA1E):c.3572A>G (p.Tyr1191Cys) is a missense variant that results in the substitution of tyrosine with cysteine. This variant is rare in population databases. Computational prediction algorithms are consistent with a deleterious effect. The currently available literature and clinical evidence are not sufficient to establish a definitive association between this variant and the reported condition. Therefore, this variant is classified as a variant of uncertain significance.